The following is an entry in ClinVar:

NM_001904.4(CTNNB1):c.644C>T (p.Ala215Val)

Genes: CTNNB1 (catenin beta 1; plus strand), LOC126806658 (BRD4-independent group 4 enhancer GRCh37_chr3:41265899-41267098; plus strand). Cytogenetic location: 3p22.1.
Variant type: single nucleotide variant.
Coding change: c.644C>T on transcript NM_001904.4 (MANE Select); coding-DNA position 644, C replaced by T.
Protein change: p.Ala215Val; replaces alanine 215 with valine.
Molecular consequence: missense variant.
Genome position (GRCh38, 1-based): chr3:41,225,482, C>T. VCF-style: chr3-41225482-C-T. GRCh37 (hg19) VCF-style: chr3-41266973-C-T.
Other names: c.644C>T, p.Ala215Val (NM_001098209.2, NM_001098210.2); c.623C>T, p.Ala208Val (NM_001330729.2); short protein forms A215V, A208V.
Identifiers: ClinVar variation 1349153 (VCV001349153.8), dbSNP rs762164590, ClinGen allele CA2330959.
Genomic context (GRCh38, chr3:41,225,482, plus strand): 5'-TGTCTGCTATTGTACGTACCATGCAGAATACAAATGATGTAGAAACAGCTCGTTGTACCG[C>T]TGGGACCTTGCATAACCTTTCCCATCATCGTGAGGGCTTACTGGCCATCTTTAAGTCTGG-3'
Protein context (NP_001895.1, residues 205-225): TNDVETARCT[Ala215Val]GTLHNLSHHR

ClinVar aggregate classification (germline): Uncertain significance (1 of 4 stars; one submission).

Allele frequency attached by ClinVar (database versions not stated): ExAC 0.00001; gnomAD exomes 0.00001; gnomAD 0.00003 and 0.00004; TOPMed 0.00005.

Submission:

Labcorp Genetics (formerly Invitae), Labcorp
Classification: Uncertain significance. Last evaluated: 2024-12-02. Review status: criteria provided, single submitter. Criteria: Invitae Variant Classification Sherloc (09022015). Collection method: clinical testing. Allele origin: germline.
Comment: This sequence change replaces alanine, which is neutral and non-polar, with valine, which is neutral and non-polar, at codon 215 of the CTNNB1 protein (p.Ala215Val). This variant is present in population databases (rs762164590, gnomAD 0.02%). This variant has not been reported in the literature in individuals affected with CTNNB1-related conditions. ClinVar contains an entry for this variant (Variation ID: 1349153). Invitae Evidence Modeling of protein sequence and biophysical properties (such as structural, functional, and spatial information, amino acid conservation, physicochemical variation, residue mobility, and thermodynamic stability) indicates that this missense variant is not expected to disrupt CTNNB1 protein function with a negative predictive value of 80%. In summary, the available evidence is currently insufficient to determine the role of this variant in disease. Therefore, it has been classified as a Variant of Uncertain Significance.